The following is an entry in ClinVar:

ClinVar aggregate classification (germline): Uncertain significance. Review status: criteria provided, multiple submitters, no conflicts (2 of 4 stars). 2 submissions from 2 submitters: Uncertain significance (2). Last evaluated 2026-01-07.

Conditions:
CFAP410-related disorder. Also called: CFAP410-related condition.

Allele frequency attached by ClinVar (database versions not stated): gnomAD 0.00001; gnomAD exomes 0.00001 and 0.00004; ExAC 0.00002; TOPMed 0.00002.
gnomAD v4.1: 13 of 1,601,912 alleles (0.00081%); highest among the groups gnomAD compares: Admixed American, 0.02%; no homozygotes.

Submissions (2):

PreventionGenetics, part of Exact Sciences
Classification: Uncertain significance for CFAP410-related condition. Last evaluated: 2026-01-07. Review status: criteria provided, single submitter. Criteria: ACMG Guidelines, 2015. Collection method: clinical testing. Allele origin: germline.
Comment: The CFAP410 c.711G>C variant is predicted to result in the amino acid substitution p.Gln237His. To our knowledge, this variant has not been reported in the literature. This variant is reported in 0.027% of alleles in individuals of Latino descent in gnomAD. At this time, the clinical significance of this variant is uncertain due to the absence of conclusive functional and genetic evidence.

Labcorp Genetics (formerly Invitae), Labcorp
Classification: Uncertain significance. Last evaluated: 2022-08-19. Review status: criteria provided, single submitter. Criteria: Invitae Variant Classification Sherloc (09022015). Collection method: clinical testing. Allele origin: germline.
Comment: This sequence change replaces glutamine, which is neutral and polar, with histidine, which is basic and polar, at codon 237 of the CFAP410 protein (p.Gln237His). This variant is present in population databases (rs772718835, gnomAD 0.03%). This variant has not been reported in the literature in individuals affected with CFAP410-related conditions. ClinVar contains an entry for this variant (Variation ID: 1446710). Algorithms developed to predict the effect of missense changes on protein structure and function output the following: SIFT: "Tolerated"; PolyPhen-2: "Benign"; Align-GVGD: "Class C0". The histidine amino acid residue is found in multiple mammalian species, which suggests that this missense change does not adversely affect protein function. In summary, the available evidence is currently insufficient to determine the role of this variant in disease. Therefore, it has been classified as a Variant of Uncertain Significance.

NM_004928.3(CFAP410):c.711G>C (p.Gln237His)

Gene: CFAP410 (cilia and flagella associated protein 410; minus strand). Cytogenetic location: 21q22.3.
Variant type: single nucleotide variant.
Coding change: c.711G>C on transcript NM_004928.3 (MANE Select); coding-DNA position 711, G replaced by C.
Protein change: p.Gln237His; replaces glutamine 237 with histidine.
Molecular consequence: missense variant.
Genome position (GRCh38, 1-based): chr21:44,330,258, C>G on the plus strand (G>C on the coding strand, the complement: CFAP410 is on the minus strand). VCF-style: chr21-44330258-C-G. GRCh37 (hg19) VCF-style: chr21-45750141-C-G.
Other names: c.708G>C, p.Gln236His (NM_001271440.2); c.1068G>C, p.Gln356His (NM_001271441.2); c.585G>C, p.Gln195His (NM_001271442.1); c.711G>C (NM_004928.2); short protein forms Q237H, Q236H, Q356H, Q195H.
Identifiers: ClinVar variation 1446710 (VCV001446710.6), dbSNP rs772718835, ClinGen allele CA10053479.